The following is an entry in ClinVar:

NM_173689.7(CRB2):c.270C>T (p.Thr90=)

Gene: CRB2 (crumbs cell polarity complex component 2; plus strand). Cytogenetic location: 9q33.3.
Variant type: single nucleotide variant.
Coding change: c.270C>T on transcript NM_173689.7 (MANE Select); coding-DNA position 270, C replaced by T.
Protein change: p.Thr90=; no amino-acid change (threonine 90 retained).
Molecular consequence: synonymous variant.
Genome position (GRCh38, 1-based): chr9:123,363,040, C>T. VCF-style: chr9-123363040-C-T. GRCh37 (hg19) VCF-style: chr9-126125319-C-T.
Identifiers: ClinVar variation 742564 (VCV000742564.28), dbSNP rs140031022, ClinGen allele CA5231592.

ClinVar aggregate classification (germline): Benign/Likely benign. Review status: criteria provided, multiple submitters, no conflicts (2 of 4 stars). 3 submissions from 3 submitters: Benign (2); Likely benign (1). Last evaluated 2025-11-01.

Allele frequency attached by ClinVar (database versions not stated): ExAC 0.00068; 1000 Genomes Project 0.00200; gnomAD 0.00207 and 0.00223; TOPMed 0.00230; ESP Exome Variant Server 0.00238; 1000 Genomes Project 30x 0.00281.
gnomAD v4.1: 675 of 1,611,998 alleles (0.042%); highest among the groups gnomAD compares: African/African-American, 0.64%; 1 homozygote.

Submissions (3):

CeGaT Center for Human Genetics Tuebingen
Classification: Likely benign. Last evaluated: 2025-11-01. Review status: criteria provided, single submitter. Criteria: CeGaT Center For Human Genetics Tuebingen Variant Classification Criteria Version 2. Collection method: clinical testing. Allele origin: germline. Affected: yes. Observed: 2 variant alleles.
Comment: CRB2: BP4, BP7

Labcorp Genetics (formerly Invitae), Labcorp
Classification: Benign. Last evaluated: 2018-06-05. Review status: criteria provided, single submitter. Criteria: Invitae Variant Classification Sherloc (09022015). Collection method: clinical testing. Allele origin: germline.

Breakthrough Genomics
Classification: Benign. Review status: criteria provided, single submitter. Criteria: ACMG Guidelines, 2015. Collection method: not provided. Allele origin: germline. Inheritance: Autosomal recessive inheritance. Affected: yes.